The following is an entry in ClinVar:

NM_001042492.3(NF1):c.5676dup (p.Leu1893fs)

Gene: NF1 (neurofibromin 1; plus strand). Cytogenetic location: 17q11.2.
Variant type: Duplication.
Coding change: c.5676dup on transcript NM_001042492.3 (MANE Select); coding-DNA position 5676, one base duplicated (A; older notation c.5676dupA).
Protein change: p.Leu1893fs; shifts the reading frame from leucine 1893.
Molecular consequence: frameshift variant.
Genome position (GRCh38, 1-based): chr17:31,330,362, A duplicated. VCF-style (leftmost placement, unchanged base first): chr17-31330361-T-TA. GRCh37 (hg19) VCF-style: chr17-29657379-T-TA.
Other names: c.5613dupA (NM_000267.3); c.5613dup, p.Leu1872Thrfs (NM_000267.4); short protein forms L1893fs, L1872fs.
Identifiers: ClinVar variation 547666 (VCV000547666.7), dbSNP rs1475358670, ClinGen allele CA625780794.

ClinVar aggregate classification (germline): Pathogenic. Review status: criteria provided, multiple submitters, no conflicts (2 of 4 stars). 3 submissions from 3 submitters: Pathogenic (3). Last evaluated 2022-03-15.

Conditions:
Neurofibromatosis, type 1 (NF1). Also called: NEUROFIBROMATOSIS, TYPE I, SOMATIC; VON RECKLINGHAUSEN DISEASE; Peripheral type neurofibromatosis; Neurofibromatosis, type I. Identifiers: Orphanet 636, MedGen C0027831, MONDO:0018975, OMIM 162200. Disease mechanism: loss of function.

Submissions (3):

Genome-Nilou Lab
Classification: Pathogenic for Neurofibromatosis, type 1. Last evaluated: 2022-03-15. Review status: criteria provided, single submitter. Criteria: ACMG Guidelines, 2015. Collection method: clinical testing. Allele origin: germline. Affected: no.

Labcorp Genetics (formerly Invitae), Labcorp
Classification: Pathogenic for Neurofibromatosis, type 1. Last evaluated: 2021-05-03. Review status: criteria provided, single submitter. Criteria: Invitae Variant Classification Sherloc (09022015). Collection method: clinical testing. Allele origin: germline.
Comment: For these reasons, this variant has been classified as Pathogenic. This variant has not been reported in the literature in individuals with NF1-related conditions. ClinVar contains an entry for this variant (Variation ID: 547666). This variant is not present in population databases (ExAC no frequency). This sequence change creates a premature translational stop signal (p.Leu1872Thrfs*20) in the NF1 gene. It is expected to result in an absent or disrupted protein product. Loss-of-function variants in NF1 are known to be pathogenic (PMID: 10712197, 23913538).

Center for Human Genetics, Inc
Classification: Pathogenic for Neurofibromatosis, type 1. Last evaluated: 2016-11-01. Review status: criteria provided, single submitter. Criteria: ACMG Guidelines, 2015. Collection method: clinical testing. Allele origin: germline. Affected: yes.

Literature cited by the submitters: PubMed 10712197 (cited by Labcorp Genetics (formerly Invitae), Labcorp); PubMed 23913538 (cited by Labcorp Genetics (formerly Invitae), Labcorp).